The following is an entry in ClinVar:

ClinVar aggregate classification (germline): Uncertain significance (1 of 4 stars; one submission).

gnomAD v4.1: 2 of 1,612,928 alleles (0.00012%); highest among the groups gnomAD compares: Non-Finnish European, 0.00017%; no homozygotes.

Submission:

Labcorp Genetics (formerly Invitae), Labcorp
Classification: Uncertain significance. Last evaluated: 2025-06-01. Review status: criteria provided, single submitter. Criteria: Invitae Variant Classification Sherloc (09022015). Collection method: clinical testing. Allele origin: germline.
Comment: This sequence change replaces asparagine, which is neutral and polar, with lysine, which is basic and polar, at codon 80 of the DUOX2 protein (p.Asn80Lys). This variant is not present in population databases (gnomAD no frequency). This variant has not been reported in the literature in individuals affected with DUOX2-related conditions. ClinVar contains an entry for this variant (Variation ID: 2754889). Invitae Evidence Modeling of protein sequence and biophysical properties (such as structural, functional, and spatial information, amino acid conservation, physicochemical variation, residue mobility, and thermodynamic stability) indicates that this missense variant is expected to disrupt DUOX2 protein function with a positive predictive value of 80%. In summary, the available evidence is currently insufficient to determine the role of this variant in disease. Therefore, it has been classified as a Variant of Uncertain Significance.

NM_001363711.2(DUOX2):c.240C>A (p.Asn80Lys)

Gene: DUOX2 (dual oxidase 2; minus strand). Cytogenetic location: 15q21.1.
Variant type: single nucleotide variant.
Coding change: c.240C>A on transcript NM_001363711.2 (MANE Select); coding-DNA position 240, C replaced by A.
Protein change: p.Asn80Lys; replaces asparagine 80 with lysine.
Molecular consequence: missense variant.
Genome position (GRCh38, 1-based): chr15:45,112,639, G>T on the plus strand (C>A on the coding strand, the complement: DUOX2 is on the minus strand). VCF-style: chr15-45112639-G-T. GRCh37 (hg19) VCF-style: chr15-45404837-G-T.
Other names: c.240C>A, p.Asn80Lys (NM_014080.5); short protein forms N80K.
Identifiers: ClinVar variation 2754889 (VCV002754889.3), dbSNP rs576453199, ClinGen allele CA392279707.
Genomic context (GRCh38, chr15:45,112,639, plus strand): 5'-GTTGTGGAGCGACGGCAGGCCGGCTATGCCCCGCGTGGCTGCGTTGCTGAGCCGGCGCGG[G>T]TTGGGCAGCTGCGGCTCCTCCAGAGCCTGATACACACCGTCGGCGTAATTGGCTGGTACG-3'
Protein context (NP_001350640.1, residues 70-90): YQALEEPQLP[Asn80Lys]PRRLSNAATR